The following is an entry in ClinVar:

ClinVar aggregate classification (germline): Uncertain significance (1 of 4 stars; one submission).

Allele frequency attached by ClinVar (database versions not stated): gnomAD exomes below 0.00001 and 0.00001; TOPMed below 0.00001.
gnomAD v4.1: 9 of 1,612,600 alleles (0.00056%); highest among the groups gnomAD compares: Admixed American, 0.0017%; no homozygotes.

Submission:

Labcorp Genetics (formerly Invitae), Labcorp
Classification: Uncertain significance. Last evaluated: 2021-09-01. Review status: criteria provided, single submitter. Criteria: Invitae Variant Classification Sherloc (09022015). Collection method: clinical testing. Allele origin: germline.
Comment: This sequence change replaces lysine with arginine at codon 249 of the TSFM protein (p.Lys249Arg). The lysine residue is weakly conserved and there is a small physicochemical difference between lysine and arginine. This variant is not present in population databases (ExAC no frequency). This variant has not been reported in the literature in individuals affected with TSFM-related conditions. Algorithms developed to predict the effect of missense changes on protein structure and function (SIFT, PolyPhen-2, Align-GVGD) all suggest that this variant is likely to be tolerated. Algorithms developed to predict the effect of sequence changes on RNA splicing suggest that this variant may create or strengthen a splice site. In summary, the available evidence is currently insufficient to determine the role of this variant in disease. Therefore, it has been classified as a Variant of Uncertain Significance.

NM_005726.6(TSFM):c.683A>G (p.Lys228Arg)

Gene: TSFM (Ts translation elongation factor, mitochondrial; plus strand). Cytogenetic location: 12q14.1.
Variant type: single nucleotide variant.
Coding change: c.683A>G on transcript NM_005726.6 (MANE Select); coding-DNA position 683, A replaced by G.
Protein change: p.Lys228Arg; replaces lysine 228 with arginine.
Molecular consequence: missense variant. On other transcripts: intron variant (1), 3 prime UTR variant (1).
Genome position (GRCh38, 1-based): chr12:57,796,288, A>G. VCF-style: chr12-57796288-A-G. GRCh37 (hg19) VCF-style: chr12-58190071-A-G.
Other names: c.746A>G, p.Lys249Arg (NM_001172696.2); c.571+3215A>G (NM_001172697.2); c.*91A>G (NM_001172695.2); short protein forms K228R, K249R.
Identifiers: ClinVar variation 1493519 (VCV001493519.5), dbSNP rs1195254958, ClinGen allele CA385530486.
Genomic context (GRCh38, chr12:57,796,288, plus strand): 5'-CATCTGGGTTCTACGTTGGCTCTTATGTCCACGGAGCAATGCAGAGTCCCTCACTTCACA[A>G]GCTGGTGCTGGGGAAGTATGGGGCCCTGGTCATCTGTGAGACGTCTGAACAGAAAACAAA-3'
Protein context (NP_005717.3, residues 218-238): HGAMQSPSLH[Lys228Arg]LVLGKYGALV